The following is an entry in ClinVar:

NM_198241.3(EIF4G1):c.1395AGGAGAAGC[2] (p.466GEA[2])

Gene: EIF4G1 (eukaryotic translation initiation factor 4 gamma 1; plus strand). Cytogenetic location: 3q27.1.
Variant type: Microsatellite.
Coding change: c.1395AGGAGAAGC[2] on transcript NM_198241.3 (MANE Select); two copies in a row of the 9-base unit AGGAGAAGC starting at c.1395; the reference has three copies in a row; one copy, 9 bases deleted; also written c.1413_1421del.
Protein change: p.466GEA[2].
Molecular consequence: inframe deletion.
Genome position (GRCh38, 1-based): chr3:184,321,997-184,322,005, AGGAGAAGC deleted; deleting any 9 consecutive bases within chr3:184,321,979-184,322,005 gives the same sequence; the position shown is the placement nearest the transcript's 3' end. VCF-style (leftmost placement, unchanged base first): chr3-184321978-AAGGAGAAGC-A. GRCh37 (hg19) VCF-style: chr3-184039766-AAGGAGAAGC-A.
Other names: p.Gly472_Ala474del; c.1416AGGAGAAGC[2], p.473GEA[2] (NM_001194946.2, NM_001194947.2); c.1275AGGAGAAGC[2], p.426GEA[2] (NM_001291157.2); c.807AGGAGAAGC[2], p.270GEA[2] (NM_004953.5); c.1395AGGAGAAGC[2], p.466GEA[2] (NM_182917.4); c.903AGGAGAAGC[2], p.302GEA[2] (NM_198242.3); c.1134AGGAGAAGC[2], p.379GEA[2] (NM_198244.3); c.1413_1421del (NM_198241.3).
Identifiers: ClinVar variation 1209961 (VCV001209961.5), dbSNP rs111659103, ClinGen allele CA2732179.
Genomic context (GRCh38, chr3:184,321,978, plus strand): 5'-CTCCTTCAGCTACTTCCCCAGCTCAGGAGGAGGAAATGGAAGAAGAAGAAGAAGAGGAAG[AAGGAGAAGC>A]AGGAGAAGCAGGAGAAGCTGAGAGTGAGAAAGGAGGAGAGGAACTGCTCCCCCCAGAGAG-3'

ClinVar aggregate classification (germline): Benign. Review status: criteria provided, single submitter (1 of 4 stars). 4 submissions from 4 submitters: Benign (1). 3 of the submissions do not count toward it. Last evaluated 2023-03-29.

Conditions:
EIF4G1-related disorder. Also called: EIF4G1-related condition.

Submissions (4):

Mayo Clinic Laboratories, Mayo Clinic
Classification: Benign. Last evaluated: 2023-03-29. Review status: criteria provided, single submitter. Criteria: ACMG Guidelines, 2015. Collection method: clinical testing. Allele origin: germline. Observed: 39 variant alleles.
Comment: BS1, BS2

PreventionGenetics, part of Exact Sciences
Classification: Likely benign for EIF4G1-related condition. Last evaluated: 2019-11-27. Review status: no assertion criteria provided. Collection method: clinical testing. Allele origin: germline. Not counted in ClinVar's aggregate classification.
Comment: This variant is classified as likely benign based on ACMG/AMP sequence variant interpretation guidelines (Richards et al. 2015 PMID: 25741868, with internal and published modifications).

Clinical Genetics DNA and cytogenetics Diagnostics Lab, Erasmus MC, Erasmus Medical Center
Classification: Benign. Review status: no assertion criteria provided. Collection method: clinical testing. Allele origin: germline. Affected: yes. Study: VKGL Data-share Consensus. Not counted in ClinVar's aggregate classification.

Genome Diagnostics Laboratory, Amsterdam University Medical Center
Classification: Benign. Review status: no assertion criteria provided. Collection method: clinical testing. Allele origin: germline. Affected: yes. Study: VKGL Data-share Consensus. Not counted in ClinVar's aggregate classification.

Literature cited by the submitters: PubMed 22658323 (cited by Mayo Clinic Laboratories, Mayo Clinic).